The following is an entry in ClinVar:

NM_005198.5(CHKB):c.224+5G>C

Genes: CHKB (choline kinase beta; minus strand), CHKB-CPT1B (CHKB-CPT1B readthrough (NMD candidate); minus strand). Cytogenetic location: 22q13.33.
Variant type: single nucleotide variant.
Coding change: c.224+5G>C on transcript NM_005198.5 (MANE Select); 5 bases into the intron after coding-DNA position 224, G replaced by C.
Molecular consequence: intron variant.
Genome position (GRCh38, 1-based): chr22:50,582,553, C>G on the plus strand (G>C on the coding strand, the complement: CHKB is on the minus strand). VCF-style: chr22-50582553-C-G. GRCh37 (hg19) VCF-style: chr22-51020982-C-G.
Identifiers: ClinVar variation 423804 (VCV000423804.13), dbSNP rs765251030, ClinGen allele CA10323878.
Genomic context (GRCh38, chr22:50,582,553, plus strand): 5'-AGGGCCCCGCGGCTGACCCCTGACCCCGATCCGCGCACCGGAGAGGCTGACCCCTGACCT[C>G]CCACCTCACGGGGTAAACCCTCAGCTCCTCGGGCTGCACTCGGCGCCAGGCCCCGCCCAA-3'

ClinVar aggregate classification (germline): Conflicting classifications of pathogenicity. Review status: criteria provided, conflicting classifications (1 of 4 stars). 5 submissions from 5 submitters: Likely pathogenic (2); Uncertain significance (3). Last evaluated 2024-06-27.

Conditions:
Megaconial type congenital muscular dystrophy (MDCMC). Also called: CHKB-Related Muscular Dystrophy; CHKB-Related Muscle Diseases; MUSCULAR DYSTROPHY, CONGENITAL, WITH MITOCHONDRIAL STRUCTURAL ABNORMALITIES. Identifiers: Orphanet 280671, MedGen C1865233, MONDO:0011246, OMIM 602541.
Inborn genetic diseases. Identifiers: MedGen C0950123, MeSH D030342.

Allele frequency attached by ClinVar (database versions not stated): gnomAD exomes 0.00001; gnomAD 0.00002; TOPMed 0.00002; ExAC 0.00003.

Submissions (5):

Ambry Genetics
Classification: Likely pathogenic for Inborn genetic diseases. Last evaluated: 2024-06-27. Review status: criteria provided, single submitter. Criteria: Ambry Variant Classification Scheme 2023. Collection method: clinical testing. Allele origin: germline.
Comment: The c.224+5G>C intronic alteration results from a G to C substitution 5 nucleotides after coding exon 1 of the CHKB gene. Based on data from gnomAD, the C allele has an overall frequency of 0.002% (4/258836) total alleles studied. The highest observed frequency was 0.004% (4/114784) of European (non-Finnish) alleles. This variant has been identified in conjunction with another CHKB variant in an individual with features consistent with megaconial type congenital muscular dystrophy (Undiagnosed Diseases Network, Participant 086). This nucleotide position is highly conserved in available vertebrate species. In silico splice site analysis predicts that this alteration will weaken the native splice donor site and may result in the creation or strengthening of a novel splice donor site. Based on the available evidence, this alteration is classified as likely pathogenic.

Labcorp Genetics (formerly Invitae), Labcorp
Classification: Uncertain significance for Megaconial type congenital muscular dystrophy. Last evaluated: 2023-08-28. Review status: criteria provided, single submitter. Criteria: Invitae Variant Classification Sherloc (09022015). Collection method: clinical testing. Allele origin: germline.
Comment: ClinVar contains an entry for this variant (Variation ID: 423804). This variant has not been reported in the literature in individuals affected with CHKB-related conditions. This variant is present in population databases (rs765251030, gnomAD 0.003%). This sequence change falls in intron 1 of the CHKB gene. It does not directly change the encoded amino acid sequence of the CHKB protein. It affects a nucleotide within the consensus splice site. In summary, the available evidence is currently insufficient to determine the role of this variant in disease. Therefore, it has been classified as a Variant of Uncertain Significance. Variants that disrupt the consensus splice site are a relatively common cause of aberrant splicing (PMID: 17576681, 9536098). Algorithms developed to predict the effect of sequence changes on RNA splicing suggest that this variant may disrupt the consensus splice site.

Department of Pathology and Laboratory Medicine, Sinai Health System
Classification: Uncertain significance for Megaconial type congenital muscular dystrophy. Last evaluated: 2022-07-04. Review status: criteria provided, single submitter. Criteria: ACMG Guidelines, 2015. Collection method: research. Allele origin: germline.

Undiagnosed Diseases Network, NIH
Classification: Uncertain significance for Megaconial type congenital muscular dystrophy. Last evaluated: 2018-03-06. Review status: criteria provided, single submitter. Criteria: ACMG Guidelines, 2015. Collection method: clinical testing. Allele origin: paternal. Inheritance: Autosomal recessive inheritance. Affected: yes. Observed: 1 variant allele, 1 compound heterozygote. Study: Undiagnosed Diseases Network (NIH), UDN.

GeneDx
Classification: Likely pathogenic. Last evaluated: 2017-03-06. Review status: criteria provided, single submitter. Criteria: GeneDx Variant Classification (06012015). Collection method: clinical testing. Allele origin: germline. Affected: yes.
Comment: The c.224+5 G>C variant in the CHKB gene has not been published as a pathogenic variant, nor has it been reported as a benign variant to our knowledge. The c.224+5 G>C variant is not observed at a significant frequency in large population cohorts (Lek et al., 2016; 1000 Genomes Consortium et al., 2015; Exome Variant Server). Several in-silico splice prediction models predict that c.224+5 G>C destroys the natural splice donor site for intron 1 which may lead to abnormal gene splicing. This variant occurs at a position that is conserved across species. In summary, we interpret c.224+5 G>C to be a likely pathogenic variant. However, in the absence of RNA/functional studies, the actual effect of this sequence change in this individual is unknown.

Literature cited by the submitters: PubMed 17576681 (cited by Labcorp Genetics (formerly Invitae), Labcorp); PubMed 9536098 (cited by Labcorp Genetics (formerly Invitae), Labcorp).